The following is an entry in ClinVar:

NM_004360.5(CDH1):c.1983T>C (p.Gly661=)

Gene: CDH1 (cadherin 1; plus strand). Cytogenetic location: 16q22.1.
Variant type: single nucleotide variant.
Coding change: c.1983T>C on transcript NM_004360.5 (MANE Select); coding-DNA position 1983, T replaced by C.
Protein change: p.Gly661=; no amino-acid change (glycine 661 retained).
Molecular consequence: synonymous variant.
Genome position (GRCh38, 1-based): chr16:68,823,445, T>C. VCF-style: chr16-68823445-T-C. GRCh37 (hg19) VCF-style: chr16-68857348-T-C.
Other names: c.1983T>C (LRG_301t1); c.1800T>C, p.Gly600= (NM_001317184.2); c.435T>C, p.Gly145= (NM_001317185.2); c.18T>C, p.Gly6= (NM_001317186.2).
Identifiers: ClinVar variation 233830 (VCV000233830.16), dbSNP rs748114797, ClinGen allele CA10580142.

ClinVar aggregate classification (germline): Benign/Likely benign. Review status: criteria provided, multiple submitters, no conflicts (2 of 4 stars). 4 submissions from 4 submitters: Benign (1); Likely benign (3). Last evaluated 2025-03-20.

Conditions:
Hereditary cancer-predisposing syndrome. Also called: Tumor predisposition; Hereditary Cancer Syndrome; Hereditary neoplastic syndrome; Neoplastic Syndromes, Hereditary. Identifiers: Orphanet 140162, MedGen C0027672, MeSH D009386, MONDO:0015356.
Hereditary diffuse gastric adenocarcinoma (HDGC). Also called: DIFFUSE GASTRIC AND LOBULAR BREAST CANCER SYNDROME. Identifiers: Orphanet 26106, MedGen C1708349, MONDO:0007648, OMIM 137215.

Submissions (4):

Labcorp Genetics (formerly Invitae), Labcorp
Classification: Likely benign for Hereditary diffuse gastric adenocarcinoma. Last evaluated: 2025-03-20. Review status: criteria provided, single submitter. Criteria: Invitae Variant Classification Sherloc (09022015). Collection method: clinical testing. Allele origin: germline.

Myriad Genetics, Inc.
Classification: Benign for Hereditary diffuse gastric adenocarcinoma. Last evaluated: 2024-09-20. Review status: criteria provided, single submitter. Criteria: Myriad Autosomal Dominant, Autosomal Recessive and X-Linked Classification Criteria (2023). Collection method: clinical testing. Allele origin: unknown.
Comment: This variant is considered benign. This variant is a silent/synonymous amino acid change and it is not expected to impact splicing.

Women's Health and Genetics/Laboratory Corporation of America, LabCorp
Classification: Likely benign. Last evaluated: 2022-11-17. Review status: criteria provided, single submitter. Criteria: LabCorp Variant Classification Summary - May 2015. Collection method: clinical testing. Allele origin: germline.

Ambry Genetics
Classification: Likely benign for Hereditary cancer-predisposing syndrome. Last evaluated: 2015-09-23. Review status: criteria provided, single submitter. Criteria: Ambry Variant Classification Scheme 2023. Collection method: clinical testing. Allele origin: germline.